The following is an entry in ClinVar:

ClinVar aggregate classification (germline): Uncertain significance. Review status: criteria provided, multiple submitters, no conflicts (2 of 4 stars). 2 submissions from 2 submitters: Uncertain significance (2). Last evaluated 2021-08-20.

Conditions:
Thrombophilia due to protein S deficiency, autosomal recessive (THPH6). Identifiers: Orphanet 743, MedGen C3281092, MONDO:0013791, OMIM 614514. Disease mechanism: loss of function.
Thrombophilia due to protein S deficiency, autosomal dominant (THPH5). Identifiers: Orphanet 26349, Orphanet 743, MedGen C3278211, MONDO:0012868, OMIM 612336. Disease mechanism: loss of function.

Allele frequency attached by ClinVar (database versions not stated): gnomAD 0.00001; gnomAD exomes 0.00001; TOPMed 0.00001; ESP Exome Variant Server 0.00008.
gnomAD v4.1: 10 of 1,613,398 alleles (0.00062%); highest among the groups gnomAD compares: Non-Finnish European, 0.00076%; no homozygotes.

Submissions (2):

Labcorp Genetics (formerly Invitae), Labcorp
Classification: Uncertain significance for Thrombophilia due to protein S deficiency, autosomal recessive. Last evaluated: 2021-08-20. Review status: criteria provided, single submitter. Criteria: Invitae Variant Classification Sherloc (09022015). Collection method: clinical testing. Allele origin: germline.
Comment: This sequence change replaces isoleucine with valine at codon 661 of the PROS1 protein (p.Ile661Val). The isoleucine residue is highly conserved and there is a small physicochemical difference between isoleucine and valine. This variant is not present in population databases (ExAC no frequency). This variant has not been reported in the literature in individuals affected with PROS1-related conditions. Algorithms developed to predict the effect of missense changes on protein structure and function (SIFT, PolyPhen-2, Align-GVGD) all suggest that this variant is likely to be disruptive. In summary, the available evidence is currently insufficient to determine the role of this variant in disease. Therefore, it has been classified as a Variant of Uncertain Significance.

Fulgent Genetics
Classification: Uncertain significance for Thrombophilia due to protein S deficiency, autosomal dominant; Thrombophilia due to protein S deficiency, autosomal recessive. Last evaluated: 2021-08-11. Review status: criteria provided, single submitter. Criteria: ACMG Guidelines, 2015. Collection method: clinical testing. Allele origin: unknown.

NM_000313.4(PROS1):c.1981A>G (p.Ile661Val)

Gene: PROS1 (protein S; minus strand). Cytogenetic location: 3q11.1.
Variant type: single nucleotide variant.
Coding change: c.1981A>G on transcript NM_000313.4 (MANE Select); coding-DNA position 1981, A replaced by G.
Protein change: p.Ile661Val; replaces isoleucine 661 with valine.
Molecular consequence: missense variant.
Genome position (GRCh38, 1-based): chr3:93,874,295, T>C on the plus strand (A>G on the coding strand, the complement: PROS1 is on the minus strand). VCF-style: chr3-93874295-T-C. GRCh37 (hg19) VCF-style: chr3-93593139-T-C.
Other names: c.2077A>G, p.Ile693Val (NM_001314077.2); short protein forms I661V, I693V.
Identifiers: ClinVar variation 1017210 (VCV001017210.3), dbSNP rs141122478, ClinGen allele CA78520153.